The following is an entry in ClinVar:

ClinVar aggregate classification (germline): Likely benign. Review status: criteria provided, multiple submitters, no conflicts (2 of 4 stars). 4 submissions from 4 submitters: Likely benign (4). Last evaluated 2026-03-07.

Conditions:
Cardiovascular phenotype. Identifiers: MedGen CN230736.
EYA4-related disorder. Also called: EYA4-related condition; EYA4-related disorders. Identifiers: MedGen CN239388.
Dilated cardiomyopathy 1J (CMD1J). Also called: CARDIOMYOPATHY, DILATED, WITH SENSORINEURAL HEARING LOSS, AUTOSOMAL DOMINANT. Identifiers: Orphanet 217622, MedGen C1854368, MONDO:0011541, OMIM 605362.

Allele frequency attached by ClinVar (database versions not stated): ExAC 0.00003; gnomAD 0.00004; gnomAD exomes 0.00004; TOPMed 0.00008.
gnomAD v4.1: 64 of 1,537,060 alleles (0.0042%); highest among the groups gnomAD compares: Middle Eastern, 0.017%; no homozygotes.

Submissions (4):

PreventionGenetics, part of Exact Sciences
Classification: Likely benign for EYA4-related condition. Last evaluated: 2026-03-07. Review status: criteria provided, single submitter. Criteria: ACMG Guidelines, 2015. Collection method: clinical testing. Allele origin: germline.
Comment: This variant is classified as likely benign based on ACMG/AMP sequence variant interpretation guidelines (Richards et al. 2015 PMID: 25741868, with internal and published modifications).

Labcorp Genetics (formerly Invitae), Labcorp
Classification: Likely benign for Dilated cardiomyopathy 1J. Last evaluated: 2025-12-03. Review status: criteria provided, single submitter. Criteria: Invitae Variant Classification Sherloc (09022015). Collection method: clinical testing. Allele origin: germline.

Blueprint Genetics
Classification: Likely benign. Last evaluated: 2023-02-24. Review status: criteria provided, single submitter. Criteria: ACMG Guidelines, 2015. Collection method: clinical testing. Allele origin: germline.

Ambry Genetics
Classification: Likely benign for Cardiovascular phenotype. Last evaluated: 2020-01-23. Review status: criteria provided, single submitter. Criteria: Ambry Variant Classification Scheme 2023. Collection method: clinical testing. Allele origin: germline.

NM_004100.5(EYA4):c.1611C>T (p.Ser537=)

Genes: EYA4 (EYA transcriptional coactivator and phosphatase 4; plus strand), TARID (TCF21 antisense RNA inducing promoter demethylation; minus strand). Cytogenetic location: 6q23.2.
Variant type: single nucleotide variant.
Coding change: c.1611C>T on transcript NM_004100.5 (MANE Select); coding-DNA position 1611, C replaced by T.
Protein change: p.Ser537=; no amino-acid change (serine 537 retained).
Molecular consequence: synonymous variant.
Genome position (GRCh38, 1-based): chr6:133,515,430, C>T. VCF-style: chr6-133515430-C-T. GRCh37 (hg19) VCF-style: chr6-133836568-C-T.
Other names: c.1449C>T, p.Ser483= (NM_001301012.2); c.1629C>T, p.Ser543= (NM_001301013.2); c.1542C>T, p.Ser514= (NM_001370458.1, NM_172103.4); c.1467C>T, p.Ser489= (NM_001370459.1); c.1611C>T, p.Ser537= (NM_172105.4).
Identifiers: ClinVar variation 534397 (VCV000534397.15), dbSNP rs757995893, ClinGen allele CA4008402.